The following is an entry in ClinVar:

NM_003265.3(TLR3):c.1051T>A (p.Phe351Ile)

Gene: TLR3 (toll like receptor 3; plus strand). Cytogenetic location: 4q35.1.
Variant type: single nucleotide variant.
Coding change: c.1051T>A on transcript NM_003265.3 (MANE Select); coding-DNA position 1051, T replaced by A.
Protein change: p.Phe351Ile; replaces phenylalanine 351 with isoleucine.
Molecular consequence: missense variant.
Genome position (GRCh38, 1-based): chr4:186,082,737, T>A. VCF-style: chr4-186082737-T-A. GRCh37 (hg19) VCF-style: chr4-187003891-T-A.
Other names: short protein forms F351I.
Identifiers: ClinVar variation 3670328 (VCV003670328.2).

ClinVar aggregate classification (germline): Uncertain significance (1 of 4 stars; one submission).

Conditions:
Encephalopathy, acute, infection-induced (herpes-specific), susceptibility to, 1. Also called: Herpes simplex encephalitis, susceptibility to, 1. Identifiers: Orphanet 1930, MedGen C2750180, MONDO:0024563, OMIM 610551.

gnomAD v4.1: 7 of 1,614,130 alleles (0.00043%); highest among the groups gnomAD compares: Non-Finnish European, 0.00017%; no homozygotes.

Submission:

Labcorp Genetics (formerly Invitae), Labcorp
Classification: Uncertain significance for Encephalopathy, acute, infection-induced (herpes-specific), susceptibility to, 1. Last evaluated: 2024-03-12. Review status: criteria provided, single submitter. Criteria: Invitae Variant Classification Sherloc (09022015). Collection method: clinical testing. Allele origin: germline.
Comment: This sequence change replaces phenylalanine, which is neutral and non-polar, with isoleucine, which is neutral and non-polar, at codon 351 of the TLR3 protein (p.Phe351Ile). This variant is present in population databases (no rsID available, gnomAD 0.03%). This variant has not been reported in the literature in individuals affected with TLR3-related conditions. An algorithm developed to predict the effect of missense changes on protein structure and function (PolyPhen-2) suggests that this variant is likely to be disruptive. In summary, the available evidence is currently insufficient to determine the role of this variant in disease. Therefore, it has been classified as a Variant of Uncertain Significance.